The following is an entry in ClinVar:

NM_001009944.3(PKD1):c.1331T>C (p.Leu444Pro)

Gene: PKD1 (polycystin 1, transient receptor potential channel interacting; minus strand). Cytogenetic location: 16p13.3.
Variant type: single nucleotide variant.
Coding change: c.1331T>C on transcript NM_001009944.3 (MANE Select); coding-DNA position 1331, T replaced by C.
Protein change: p.Leu444Pro; replaces leucine 444 with proline.
Molecular consequence: missense variant.
Genome position (GRCh38, 1-based): chr16:2,117,543, A>G on the plus strand (T>C on the coding strand, the complement: PKD1 is on the minus strand). VCF-style: chr16-2117543-A-G. GRCh37 (hg19) VCF-style: chr16-2167544-A-G.
Other names: c.1331T>C, p.Leu444Pro (NM_000296.4); short protein forms L444P.
Identifiers: ClinVar variation 3066110 (VCV003066110.1), dbSNP rs2544875911, ClinGen allele CA394392517.

ClinVar aggregate classification (germline): Uncertain significance (1 of 4 stars; one submission).

Conditions:
Polycystic kidney disease, adult type (PKD1). Also called: Polycystic Kidney, Autosomal Dominant; POLYCYSTIC KIDNEY DISEASE 1 WITH OR WITHOUT POLYCYSTIC LIVER DISEASE; Polycystic Kidney Disease 1, Autosomal Dominant; Polycystic kidney disease 1; Polycystic kidney disease 1, severe; POLYCYSTIC KIDNEY DISEASE, ADULT, TYPE I. Identifiers: MedGen C3149841, MONDO:0008263, OMIM 173900.

Submission:

MVZ Medizinische Genetik Mainz
Classification: Uncertain significance for Polycystic kidney disease, adult type. Last evaluated: 2023-08-02. Review status: criteria provided, single submitter. Criteria: UK Practice Guidelines For Variant Classification V4 01 2020. Collection method: clinical testing. Allele origin: germline. Inheritance: Autosomal dominant inheritance. Affected: yes. Observed: 1 variant allele.
Comment: ACMG Criteria: PM2_SUP,PP4